The following is an entry in ClinVar:

NM_152743.4(BRAT1):c.2294G>A (p.Gly765Glu)

Gene: BRAT1 (BRCA1 associated ATM activator 1; minus strand). Cytogenetic location: 7p22.3.
Variant type: single nucleotide variant.
Coding change: c.2294G>A on transcript NM_152743.4 (MANE Select); coding-DNA position 2294, G replaced by A.
Protein change: p.Gly765Glu; replaces glycine 765 with glutamic acid.
Molecular consequence: missense variant. On other transcripts: non-coding transcript variant (1).
Genome position (GRCh38, 1-based): chr7:2,538,241, C>T on the plus strand (G>A on the coding strand, the complement: BRAT1 is on the minus strand). VCF-style: chr7-2538241-C-T. GRCh37 (hg19) VCF-style: chr7-2577875-C-T.
Other names: c.2474G>A, p.Gly825Glu (NM_001350626.2); c.1769G>A, p.Gly590Glu (NM_001350627.2); short protein forms G765E, G590E, G825E.
Identifiers: ClinVar variation 4777532 (VCV004777532.1).

ClinVar aggregate classification (germline): Uncertain significance (1 of 4 stars; one submission).

Conditions:
Neonatal-onset encephalopathy with rigidity and seizures. Also called: Lethal neonatal spasticity-epileptic encephalopathy syndrome. Identifiers: Orphanet 435845, MedGen C3281029, MONDO:0013784, OMIM 614498.

gnomAD v4.1: 52 of 1,609,966 alleles (0.0032%); highest among the groups gnomAD compares: Non-Finnish European, 0.0043%; no homozygotes.

Submission:

Labcorp Genetics (formerly Invitae), Labcorp
Classification: Uncertain significance for Neonatal-onset encephalopathy with rigidity and seizures. Last evaluated: 2025-08-18. Review status: criteria provided, single submitter. Criteria: Invitae Variant Classification Sherloc (09022015). Collection method: clinical testing. Allele origin: germline.
Comment: This sequence change replaces glycine, which is neutral and non-polar, with glutamic acid, which is acidic and polar, at codon 765 of the BRAT1 protein (p.Gly765Glu). This variant is not present in population databases (gnomAD no frequency). This variant has not been reported in the literature in individuals affected with BRAT1-related conditions. Invitae Evidence Modeling of protein sequence and biophysical properties (such as structural, functional, and spatial information, amino acid conservation, physicochemical variation, residue mobility, and thermodynamic stability) indicates that this missense variant is not expected to disrupt BRAT1 protein function with a negative predictive value of 95%. In summary, the available evidence is currently insufficient to determine the role of this variant in disease. Therefore, it has been classified as a Variant of Uncertain Significance.